The following is an entry in ClinVar:

NM_001032382.2(PQBP1):c.641+1G>A

Gene: PQBP1 (polyglutamine binding protein 1; plus strand). Cytogenetic location: Xp11.23.
Variant type: single nucleotide variant.
Coding change: c.641+1G>A on transcript NM_001032382.2 (MANE Select); the canonical splice donor site of the intron after coding-DNA position 641, G replaced by A.
Molecular consequence: splice donor variant.
Genome position (GRCh38, 1-based): chrX:48,902,796, G>A. VCF-style: chrX-48902796-G-A. GRCh37 (hg19) VCF-style: chrX-48760073-G-A.
Other names: c.641+1G>A (NM_001032383.2, NM_001032381.2, NM_005710.2 and 1 more transcripts); c.356+1G>A (NM_144495.3); c.638+1G>A (NM_001167989.2); c.617+1G>A (NM_001167990.2); c.341+1G>A (NM_001167992.1).
Identifiers: ClinVar variation 424138 (VCV000424138.2), dbSNP rs1064796819, ClinGen allele CA16621423.

ClinVar aggregate classification (germline): Pathogenic (1 of 4 stars; one submission).

Submission:

GeneDx
Classification: Pathogenic. Last evaluated: 2017-03-10. Review status: criteria provided, single submitter. Criteria: GeneDx Variant Classification (06012015). Collection method: clinical testing. Allele origin: germline. Affected: yes.
Comment: The c.641+1 G>A splice site variant in the PQBP1 gene destroys the canonical splice donor site in intron 5. It is predicted to cause abnormal gene splicing, either leading to an abnormal message that is subject to nonsense-mediated mRNA decay, or to an abnormal protein product if the message is used for protein translation. The c.641+1 G>A variant is not observed in large population cohorts (Lek et al., 2016; 1000 Genomes Consortium et al., 2015; Exome Variant Server).